The following is an entry in ClinVar:

ClinVar aggregate classification (germline): Uncertain significance. Review status: criteria provided, multiple submitters, no conflicts (2 of 4 stars). 3 submissions from 3 submitters: Uncertain significance (3). Last evaluated 2025-11-17.

Conditions:
Long QT syndrome (LQTS). Identifiers: MedGen C0023976, MeSH D008133, MONDO:0002442. Disease mechanism: loss of function. Inheritance: Various modes of inheritance.
Cardiovascular phenotype. Identifiers: MedGen CN230736.

Submissions (3):

Ambry Genetics
Classification: Uncertain significance for Cardiovascular phenotype. Last evaluated: 2025-11-17. Review status: criteria provided, single submitter. Criteria: Ambry Variant Classification Scheme 2023. Collection method: clinical testing. Allele origin: germline.
Comment: The p.Y171H variant (also known as c.511T>C), located in coding exon 3 of the KCNQ1 gene, results from a T to C substitution at nucleotide position 511. The tyrosine at codon 171 is replaced by histidine, an amino acid with similar properties. This amino acid position is highly conserved in available vertebrate species. In addition, this alteration is predicted to be deleterious by in silico analysis. Since supporting evidence is limited at this time, the clinical significance of this alteration remains unclear.

Blueprint Genetics
Classification: Uncertain significance. Last evaluated: 2024-01-29. Review status: criteria provided, single submitter. Criteria: ACMG Guidelines, 2015. Collection method: clinical testing. Allele origin: germline.

Labcorp Genetics (formerly Invitae), Labcorp
Classification: Uncertain significance for Long QT syndrome. Last evaluated: 2020-03-06. Review status: criteria provided, single submitter. Criteria: Invitae Variant Classification Sherloc (09022015). Collection method: clinical testing. Allele origin: germline.
Comment: This variant is not present in population databases (ExAC no frequency). This variant has been observed in individual(s) with clinical features of long QT syndrome (Invitae). Algorithms developed to predict the effect of missense changes on protein structure and function (SIFT, PolyPhen-2, Align-GVGD) all suggest that this variant is likely to be disruptive, but these predictions have not been confirmed by published functional studies and their clinical significance is uncertain. In summary, the available evidence is currently insufficient to determine the role of this variant in disease. Therefore, it has been classified as a Variant of Uncertain Significance. This sequence change replaces tyrosine with histidine at codon 171 of the KCNQ1 protein (p.Tyr171His). The tyrosine residue is highly conserved and there is a moderate physicochemical difference between tyrosine and histidine.

NM_000218.3(KCNQ1):c.511T>C (p.Tyr171His)

Gene: KCNQ1 (potassium voltage-gated channel subfamily Q member 1; plus strand). Cytogenetic location: 11p15.5.
Variant type: single nucleotide variant.
Coding change: c.511T>C on transcript NM_000218.3 (MANE Select); coding-DNA position 511, T replaced by C.
Protein change: p.Tyr171His; replaces tyrosine 171 with histidine.
Molecular consequence: missense variant.
Genome position (GRCh38, 1-based): chr11:2,570,661, T>C. VCF-style: chr11-2570661-T-C. GRCh37 (hg19) VCF-style: chr11-2591891-T-C.
Other names: c.511T>C, p.Tyr171His (NM_001406836.1); c.241T>C, p.Tyr81His (NM_001406837.1); c.130T>C, p.Tyr44His (NM_181798.2); short protein forms Y171H, Y44H, Y81H.
Identifiers: ClinVar variation 1034572 (VCV001034572.14), dbSNP rs1848317948, ClinGen allele CA379129857.
Genomic context (GRCh38, chr11:2,570,661, plus strand): 5'-AGTGAGCGTCCCACTCTGTCCCTGCAGGAGATCGTGCTGGTGGTGTTCTTCGGGACGGAG[T>C]ACGTGGTCCGCCTCTGGTCCGCCGGCTGCCGCAGCAAGTACGTGGGCCTCTGGGGGCGGC-3'
Protein context (NP_000209.2, residues 161-181): IVLVVFFGTE[Tyr171His]VVRLWSAGCR